The following is an entry in ClinVar:

NM_004237.4(TRIP13):c.502C>G (p.Leu168Val)

Gene: TRIP13 (thyroid hormone receptor interactor 13; plus strand). Cytogenetic location: 5p15.33.
Variant type: single nucleotide variant.
Coding change: c.502C>G on transcript NM_004237.4 (MANE Select); coding-DNA position 502, C replaced by G.
Protein change: p.Leu168Val; replaces leucine 168 with valine.
Molecular consequence: missense variant.
Genome position (GRCh38, 1-based): chr5:901,398, C>G. VCF-style: chr5-901398-C-G. GRCh37 (hg19) VCF-style: chr5-901513-C-G.
Other names: c.502C>G, p.Leu168Val (NM_001166260.2); short protein forms L168V.
Identifiers: ClinVar variation 3632004 (VCV003632004.2).

ClinVar aggregate classification (germline): Uncertain significance (1 of 4 stars; one submission).

gnomAD v4.1: 1 of 1,614,160 alleles (0.000062%); highest among the groups gnomAD compares: Non-Finnish European, 0.000085%; no homozygotes.

Submission:

Labcorp Genetics (formerly Invitae), Labcorp
Classification: Uncertain significance. Last evaluated: 2024-09-27. Review status: criteria provided, single submitter. Criteria: Invitae Variant Classification Sherloc (09022015). Collection method: clinical testing. Allele origin: germline.
Comment: This sequence change replaces leucine, which is neutral and non-polar, with valine, which is neutral and non-polar, at codon 168 of the TRIP13 protein (p.Leu168Val). This variant is not present in population databases (gnomAD no frequency). This variant has not been reported in the literature in individuals affected with TRIP13-related conditions. An algorithm developed to predict the effect of missense changes on protein structure and function (PolyPhen-2) suggests that this variant is likely to be tolerated. In summary, the available evidence is currently insufficient to determine the role of this variant in disease. Therefore, it has been classified as a Variant of Uncertain Significance.